The following is an entry in ClinVar:

ClinVar aggregate classification (germline): Conflicting classifications of pathogenicity. Review status: criteria provided, conflicting classifications (1 of 4 stars). 4 submissions from 4 submitters: Uncertain significance (1); Likely benign (2). 1 of the submissions does not count toward it. Last evaluated 2025-02-27.

Conditions:
Bardet-Biedl syndrome (BBS). Identifiers: Orphanet 110, MedGen C0752166, MONDO:0015229.
Bardet-Biedl syndrome 11 (BBS11). Identifiers: Orphanet 110, MedGen C1859569, MONDO:0014439, OMIM 615988.
Sarcotubular myopathy (LGMDR8). Also called: MUSCULAR DYSTROPHY, LIMB-GIRDLE, AUTOSOMAL RECESSIVE 8; Hutterite type of muscular dystrophy; Autosomal recessive limb-girdle muscular dystrophy type 2H; Limb-girdle muscular dystrophy, type 2H. Identifiers: Orphanet 1878, MedGen C0270968, MONDO:0009683, OMIM 254110.
TRIM32-related disorder. Also called: TRIM32-related condition.

Allele frequency attached by ClinVar (database versions not stated): ExAC 0.00001; gnomAD 0.00001; gnomAD exomes 0.00001 and below 0.00001.
gnomAD v4.1: 15 of 1,614,092 alleles (0.00093%); highest among the groups gnomAD compares: Non-Finnish European, 0.0012%; no homozygotes.

Submissions (4):

Mayo Clinic Laboratories, Mayo Clinic
Classification: Likely benign. Last evaluated: 2025-02-27. Review status: criteria provided, single submitter. Criteria: ACMG Guidelines, 2015. Collection method: clinical testing. Allele origin: germline. Observed: 1 variant allele.
Comment: BP4, BP7

Labcorp Genetics (formerly Invitae), Labcorp
Classification: Likely benign for Bardet-Biedl syndrome. Last evaluated: 2024-06-19. Review status: criteria provided, single submitter. Criteria: Invitae Variant Classification Sherloc (09022015). Collection method: clinical testing. Allele origin: germline.

Fulgent Genetics
Classification: Uncertain significance for Sarcotubular myopathy; Bardet-Biedl syndrome 11. Last evaluated: 2024-01-05. Review status: criteria provided, single submitter. Criteria: ACMG Guidelines, 2015. Collection method: clinical testing. Allele origin: germline.

PreventionGenetics, part of Exact Sciences
Classification: Likely benign for TRIM32-related condition. Last evaluated: 2020-12-15. Review status: no assertion criteria provided. Collection method: clinical testing. Allele origin: germline. Not counted in ClinVar's aggregate classification.
Comment: This variant is classified as likely benign based on ACMG/AMP sequence variant interpretation guidelines (Richards et al. 2015 PMID: 25741868, with internal and published modifications).

NM_012210.4(TRIM32):c.114C>T (p.His38=)

Genes: ASTN2 (astrotactin 2; minus strand), TRIM32 (tripartite motif containing 32; plus strand). Cytogenetic location: 9q33.1.
Variant type: single nucleotide variant.
Coding change: c.114C>T on transcript NM_012210.4 (MANE Select); coding-DNA position 114, C replaced by T.
Protein change: p.His38=; no amino-acid change (histidine 38 retained).
Molecular consequence: synonymous variant. On other transcripts: intron variant (3).
Genome position (GRCh38, 1-based): chr9:116,697,856, C>T. VCF-style: chr9-116697856-C-T. GRCh37 (hg19) VCF-style: chr9-119460135-C-T.
Other names: p.His38=; c.114C>T, p.His38= (NM_001379049.1, NM_001379050.1, NM_001099679.2 and 1 more transcripts); c.2653+27915G>A (NM_014010.5); c.2794+27915G>A (NM_001365069.1); c.2806+27915G>A (NM_001365068.1).
Identifiers: ClinVar variation 1135374 (VCV001135374.12), dbSNP rs761012752, ClinGen allele CA5210909.
Genomic context (GRCh38, chr9:116,697,856, plus strand): 5'-AGAATGCCCCATCTGCATGGAGTCCTTCACAGAAGAGCAGCTGCGTCCCAAGCTTCTGCA[C>T]TGTGGCCATACCATCTGCCGCCAGTGCCTGGAGAAGCTATTGGCCAGTAGCATCAATGGT-3'
Protein context (NP_036342.2, residues 28-48): TEEQLRPKLL[His38=]CGHTICRQCL